The following is an entry in ClinVar:

ClinVar aggregate classification (germline): Uncertain significance (1 of 4 stars; one submission).

Conditions:
Cardiovascular phenotype. Identifiers: MedGen CN230736.

gnomAD v4.1: 2 of 1,612,538 alleles (0.00012%); highest among the groups gnomAD compares: Non-Finnish European, 0.00017%; no homozygotes.

Submission:

Ambry Genetics
Classification: Uncertain significance for Cardiovascular phenotype. Last evaluated: 2025-09-18. Review status: criteria provided, single submitter. Criteria: Ambry Variant Classification Scheme 2023. Collection method: clinical testing. Allele origin: germline.
Comment: The p.D2560N variant (also known as c.7678G>A), located in coding exon 21 of the TNXB gene, results from a G to A substitution at nucleotide position 7678. The aspartic acid at codon 2560 is replaced by asparagine, an amino acid with highly similar properties. This amino acid position is conserved. In addition, this alteration is predicted to be tolerated by in silico analysis. Based on the available evidence, the clinical significance of this variant remains unclear.

NM_001365276.2(TNXB):c.7678G>A (p.Asp2560Asn)

Gene: TNXB (tenascin XB; minus strand). Cytogenetic location: 6p21.33.
Variant type: single nucleotide variant.
Coding change: c.7678G>A on transcript NM_001365276.2 (MANE Select); coding-DNA position 7678, G replaced by A.
Protein change: p.Asp2560Asn; replaces aspartic acid 2560 with asparagine.
Molecular consequence: missense variant.
Genome position (GRCh38, 1-based): chr6:32,058,205, C>T on the plus strand (G>A on the coding strand, the complement: TNXB is on the minus strand). VCF-style: chr6-32058205-C-T. GRCh37 (hg19) VCF-style: chr6-32025982-C-T.
Other names: c.8419G>A, p.Asp2807Asn (NM_001428335.1); c.7678G>A, p.Asp2560Asn (NM_019105.8); short protein forms D2560N, D2807N.
Identifiers: ClinVar variation 4615139 (VCV004615139.1).